The following is an entry in ClinVar:

ClinVar aggregate classification (germline): Uncertain significance (1 of 4 stars; one submission).

Conditions:
Menkes kinky-hair syndrome (MNK). Also called: Copper transport disease; Menkes Disease; Classic Menkes Disease. Identifiers: Orphanet 565, MedGen C0022716, MONDO:0010651, OMIM 309400.
Cutis laxa, X-linked (OHS). Also called: EDS IX; Occipital horn syndrome. Identifiers: Orphanet 198, MedGen C0268353, MONDO:0010572, OMIM 304150.
X-linked distal spinal muscular atrophy type 3. Also called: ATP7A-Related Distal Motor Neuropathy; SPINAL MUSCULAR ATROPHY, DISTAL, X-LINKED RECESSIVE; NEURONOPATHY, DISTAL HEREDITARY MOTOR, X-LINKED; NEUROPATHY, DISTAL HEREDITARY MOTOR, X-LINKED. Identifiers: Orphanet 139557, MedGen C1845359, MONDO:0010338, OMIM 300489.

Allele frequency attached by ClinVar (database versions not stated): gnomAD 0.00001.
gnomAD v4.1: 1 of 1,204,548 alleles (0.000083%); highest among the groups gnomAD compares: Non-Finnish European, 0.00011%; no homozygotes.

Submission:

Labcorp Genetics (formerly Invitae), Labcorp
Classification: Uncertain significance for X-linked distal spinal muscular atrophy type 3; Cutis laxa, X-linked; Menkes kinky-hair syndrome. Last evaluated: 2025-10-14. Review status: criteria provided, single submitter. Criteria: Invitae Variant Classification Sherloc (09022015). Collection method: clinical testing. Allele origin: germline.
Comment: This sequence change replaces alanine, which is neutral and non-polar, with glycine, which is neutral and non-polar, at codon 934 of the ATP7A protein (p.Ala934Gly). This variant is not present in population databases (gnomAD no frequency). This variant has not been reported in the literature in individuals affected with ATP7A-related conditions. ClinVar contains an entry for this variant (Variation ID: 2928693). Invitae Evidence Modeling of protein sequence and biophysical properties (such as structural, functional, and spatial information, amino acid conservation, physicochemical variation, residue mobility, and thermodynamic stability) indicates that this missense variant is not expected to disrupt ATP7A protein function with a negative predictive value of 95%. In summary, the available evidence is currently insufficient to determine the role of this variant in disease. Therefore, it has been classified as a Variant of Uncertain Significance.

NM_000052.7(ATP7A):c.2801C>G (p.Ala934Gly)

Gene: ATP7A (ATPase copper transporting alpha; plus strand). Cytogenetic location: Xq21.1.
Variant type: single nucleotide variant.
Coding change: c.2801C>G on transcript NM_000052.7 (MANE Select); coding-DNA position 2801, C replaced by G.
Protein change: p.Ala934Gly; replaces alanine 934 with glycine.
Molecular consequence: missense variant.
Genome position (GRCh38, 1-based): chrX:78,020,964, C>G. VCF-style: chrX-78020964-C-G. GRCh37 (hg19) VCF-style: chrX-77276461-C-G.
Other names: c.2567C>G, p.Ala856Gly (NM_001282224.2); short protein forms A856G, A934G.
Identifiers: ClinVar variation 2928693 (VCV002928693.3), dbSNP rs868944171, ClinGen allele CA413602730.